The following is an entry in ClinVar:

ClinVar aggregate classification (germline): Uncertain significance. Review status: criteria provided, multiple submitters, no conflicts (2 of 4 stars). 2 submissions from 2 submitters: Uncertain significance (2). Last evaluated 2025-11-12.

Conditions:
Inborn genetic diseases. Identifiers: MedGen C0950123, MeSH D030342.

Allele frequency attached by ClinVar (database versions not stated): gnomAD exomes 0.00001; TOPMed below 0.00001.
gnomAD v4.1: 8 of 1,599,618 alleles (0.0005%); highest among the groups gnomAD compares: Non-Finnish European, 0.00068%; no homozygotes.

Submissions (2):

Ambry Genetics
Classification: Uncertain significance for Inborn genetic diseases. Last evaluated: 2025-11-12. Review status: criteria provided, single submitter. Criteria: Ambry Variant Classification Scheme 2023. Collection method: clinical testing. Allele origin: germline.

Labcorp Genetics (formerly Invitae), Labcorp
Classification: Uncertain significance. Last evaluated: 2025-10-12. Review status: criteria provided, single submitter. Criteria: Invitae Variant Classification Sherloc (09022015). Collection method: clinical testing. Allele origin: germline.
Comment: This sequence change replaces leucine, which is neutral and non-polar, with phenylalanine, which is neutral and non-polar, at codon 137 of the FAR1 protein (p.Leu137Phe). This variant is not present in population databases (gnomAD no frequency). This variant has not been reported in the literature in individuals affected with FAR1-related conditions. ClinVar contains an entry for this variant (Variation ID: 1955394). Invitae Evidence Modeling of protein sequence and biophysical properties (such as structural, functional, and spatial information, amino acid conservation, physicochemical variation, residue mobility, and thermodynamic stability) indicates that this missense variant is not expected to disrupt FAR1 protein function with a negative predictive value of 80%. In summary, the available evidence is currently insufficient to determine the role of this variant in disease. Therefore, it has been classified as a Variant of Uncertain Significance.

NM_032228.6(FAR1):c.409C>T (p.Leu137Phe)

Gene: FAR1 (fatty acyl-CoA reductase 1; plus strand). Cytogenetic location: 11p15.3.
Variant type: single nucleotide variant.
Coding change: c.409C>T on transcript NM_032228.6 (MANE Select); coding-DNA position 409, C replaced by T.
Protein change: p.Leu137Phe; replaces leucine 137 with phenylalanine.
Molecular consequence: missense variant.
Genome position (GRCh38, 1-based): chr11:13,707,943, C>T. VCF-style: chr11-13707943-C-T. GRCh37 (hg19) VCF-style: chr11-13729490-C-T.
Other names: c.409C>T (NM_032228.5); short protein forms L137F.
Identifiers: ClinVar variation 1955394 (VCV001955394.6), dbSNP rs1848452057, ClinGen allele CA379856646.